The following is an entry in ClinVar:

NM_015047.3(EMC1):c.1291C>T (p.Leu431Phe)

Genes: EMC1 (ER membrane protein complex subunit 1; minus strand), EMC1-AS1 (EMC1 antisense RNA 1; plus strand). Cytogenetic location: 1p36.13.
Variant type: single nucleotide variant.
Coding change: c.1291C>T on transcript NM_015047.3 (MANE Select); coding-DNA position 1291, C replaced by T.
Protein change: p.Leu431Phe; replaces leucine 431 with phenylalanine.
Molecular consequence: missense variant.
Genome position (GRCh38, 1-based): chr1:19,237,160, G>A on the plus strand (C>T on the coding strand, the complement: EMC1 is on the minus strand). VCF-style: chr1-19237160-G-A. GRCh37 (hg19) VCF-style: chr1-19563654-G-A.
Other names: c.1288C>T, p.Leu430Phe (NM_001271427.2, NM_001375821.1); c.1291C>T, p.Leu431Phe (NM_001271428.2, NM_001375820.1); c.1225C>T, p.Leu409Phe (NM_001271429.2); short protein forms L409F, L431F, L430F.
Identifiers: ClinVar variation 1505482 (VCV001505482.6), dbSNP rs765336021, ClinGen allele CA652612.

ClinVar aggregate classification (germline): Uncertain significance (1 of 4 stars; one submission).

Allele frequency attached by ClinVar (database versions not stated): gnomAD exomes below 0.00001 and 0.00001; ExAC 0.00001; gnomAD 0.00004; TOPMed 0.00005.
gnomAD v4.1: 8 of 1,613,756 alleles (0.0005%); highest among the groups gnomAD compares: African/African-American, 0.0093%; no homozygotes.

Submission:

Labcorp Genetics (formerly Invitae), Labcorp
Classification: Uncertain significance. Last evaluated: 2023-03-09. Review status: criteria provided, single submitter. Criteria: Invitae Variant Classification Sherloc (09022015). Collection method: clinical testing. Allele origin: germline.
Comment: This sequence change replaces leucine, which is neutral and non-polar, with phenylalanine, which is neutral and non-polar, at codon 431 of the EMC1 protein (p.Leu431Phe). This variant is present in population databases (rs765336021, gnomAD 0.01%). This variant has not been reported in the literature in individuals affected with EMC1-related conditions. ClinVar contains an entry for this variant (Variation ID: 1505482). Advanced modeling of protein sequence and biophysical properties (such as structural, functional, and spatial information, amino acid conservation, physicochemical variation, residue mobility, and thermodynamic stability) performed at Invitae indicates that this missense variant is not expected to disrupt EMC1 protein function. In summary, the available evidence is currently insufficient to determine the role of this variant in disease. Therefore, it has been classified as a Variant of Uncertain Significance.